The following is an entry in ClinVar:

ClinVar aggregate classification (germline): Likely benign. Review status: criteria provided, multiple submitters, no conflicts (2 of 4 stars). 2 submissions from 2 submitters: Likely benign (2). Last evaluated 2025-01-17.

Conditions:
CDC14A-related disorder. Also called: CDC14A-related condition.

gnomAD v4.1: 51 of 1,609,128 alleles (0.0032%); highest among the groups gnomAD compares: Non-Finnish European, 0.004%; no homozygotes.

Submissions (2):

PreventionGenetics, part of Exact Sciences
Classification: Likely benign for CDC14A-related condition. Last evaluated: 2025-01-17. Review status: criteria provided, single submitter. Criteria: ACMG Guidelines, 2015. Collection method: clinical testing. Allele origin: germline.
Comment: This variant is classified as likely benign based on ACMG/AMP sequence variant interpretation guidelines (Richards et al. 2015 PMID: 25741868, with internal and published modifications).

Labcorp Genetics (formerly Invitae), Labcorp
Classification: Likely benign. Last evaluated: 2024-03-21. Review status: criteria provided, single submitter. Criteria: Invitae Variant Classification Sherloc (09022015). Collection method: clinical testing. Allele origin: germline.

NM_003672.4(CDC14A):c.210A>G (p.Lys70=)

Gene: CDC14A (cell division cycle 14A; plus strand). Cytogenetic location: 1p21.2.
Variant type: single nucleotide variant.
Coding change: c.210A>G on transcript NM_003672.4 (MANE Select); coding-DNA position 210, A replaced by G.
Protein change: p.Lys70=; no amino-acid change (lysine 70 retained).
Molecular consequence: synonymous variant. On other transcripts: 5 prime UTR variant (1).
Genome position (GRCh38, 1-based): chr1:100,377,615, A>G. VCF-style: chr1-100377615-A-G. GRCh37 (hg19) VCF-style: chr1-100843171-A-G.
Other names: c.210A>G (NM_033312.2); c.210A>G, p.Lys70= (NM_001319210.2, NM_033312.3, NM_033313.3); c.36A>G, p.Lys12= (NM_001319211.2); c.-582A>G (NM_001319212.2).
Identifiers: ClinVar variation 3717486 (VCV003717486.3).